The following is an entry in ClinVar:

ClinVar aggregate classification (germline): Benign (1 of 4 stars; one submission).

Allele frequency attached by ClinVar (database versions not stated): ExAC 0.00019; 1000 Genomes Project 30x 0.00094; 1000 Genomes Project 0.00100.

Submission:

CeGaT Center for Human Genetics Tuebingen
Classification: Benign. Last evaluated: 2022-07-01. Review status: criteria provided, single submitter. Criteria: CeGaT Center For Human Genetics Tuebingen Variant Classification Criteria Version 2. Collection method: clinical testing. Allele origin: germline. Affected: yes. Observed: 1 variant allele.
Comment: NAA15: BS1, BS2

NC_000004.12:g.139393613A>T

Gene: NAA15 (N-alpha-acetyltransferase 15, NatA auxiliary subunit; plus strand). Cytogenetic location: 4q31.1.
Variant type: single nucleotide variant.
Genome position: GRCh38 VCF-style: chr4-139393613-A-T. GRCh37 (hg19) VCF-style: chr4-140314767-A-T.
Identifiers: ClinVar variation 2655102 (VCV002655102.24), dbSNP rs180853500, ClinGen allele CA3083886.